The following is an entry in ClinVar:

ClinVar aggregate classification (germline): Likely benign. Review status: criteria provided, multiple submitters, no conflicts (2 of 4 stars). 2 submissions from 2 submitters: Likely benign (2). Last evaluated 2024-03-17.

Allele frequency attached by ClinVar (database versions not stated): gnomAD 0.00006 and 0.00005; TOPMed 0.00006; 1000 Genomes Project 30x 0.00016; ESP Exome Variant Server 0.00016; 1000 Genomes Project 0.00020.
gnomAD v4.1: 117 of 1,613,728 alleles (0.0073%); highest among the groups gnomAD compares: East Asian, 0.011%; no homozygotes.

Submissions (2):

Labcorp Genetics (formerly Invitae), Labcorp
Classification: Likely benign. Last evaluated: 2024-03-17. Review status: criteria provided, single submitter. Criteria: Invitae Variant Classification Sherloc (09022015). Collection method: clinical testing. Allele origin: germline.

Laboratory for Molecular Medicine, Mass General Brigham Personalized Medicine
Classification: Likely benign. Last evaluated: 2018-01-09. Review status: criteria provided, single submitter. Criteria: LMM Criteria. Collection method: clinical testing. Allele origin: germline. Observed: 2 variant alleles.
Comment: p.Ala1767Ala in Exon 20 of MYO15A: This variant is not expected to have clinical significance because it does not alter an amino acid residue, is not located wi thin the splice consensus sequence, and has been identified in 6/120010 of the t otal chromosomes across several populations by the Exome Aggregation Consortium (ExAC; dbSNP rs371647200). 12/277006 of the tota l chromosomes across several populations by the Genome Aggregation Database (gno mAD).

NM_016239.4(MYO15A):c.5301G>A (p.Ala1767=)

Gene: MYO15A (myosin XVA; plus strand). Cytogenetic location: 17p11.2.
Variant type: single nucleotide variant.
Coding change: c.5301G>A on transcript NM_016239.4 (MANE Select); coding-DNA position 5301, G replaced by A.
Protein change: p.Ala1767=; no amino-acid change (alanine 1767 retained).
Molecular consequence: synonymous variant.
Genome position (GRCh38, 1-based): chr17:18,140,606, G>A. VCF-style: chr17-18140606-G-A. GRCh37 (hg19) VCF-style: chr17-18043920-G-A.
Identifiers: ClinVar variation 227641 (VCV000227641.12), dbSNP rs371647200, ClinGen allele CA8424229.